The following is an entry in ClinVar:

ClinVar aggregate classification (germline): Uncertain significance. Review status: criteria provided, multiple submitters, no conflicts (2 of 4 stars). 2 submissions from 2 submitters: Uncertain significance (2). Last evaluated 2021-10-14.

Allele frequency attached by ClinVar (database versions not stated): TOPMed below 0.00001.

Submissions (2):

GeneDx
Classification: Uncertain significance. Last evaluated: 2021-10-14. Review status: criteria provided, single submitter. Criteria: GeneDx Variant Classification Process June 2021. Collection method: clinical testing. Allele origin: germline. Affected: yes.
Comment: Has not been previously published as pathogenic or benign to our knowledge; Not observed at significant frequency in large population cohorts (gnomAD); Missense variant in a gene in which most reported pathogenic variants are truncating/loss-of-function; In-silico analysis, which includes splice predictors and evolutionary conservation, is inconclusive as to whether the variant alters gene splicing. In the absence of RNA/functional studies, the actual effect of this sequence change is unknown.

Revvity Omics, Revvity
Classification: Uncertain significance. Last evaluated: 2019-05-28. Review status: criteria provided, single submitter. Criteria: ACMG Guidelines, 2015. Collection method: clinical testing. Allele origin: germline.

NM_001267550.2(TTN):c.47846T>C (p.Leu15949Pro)

Genes: TTN (titin; minus strand), TTN-AS1 (TTN antisense RNA 1; plus strand). Cytogenetic location: 2q31.2.
Variant type: single nucleotide variant.
Coding change: c.47846T>C on transcript NM_001267550.2 (MANE Select); coding-DNA position 47846, T replaced by C.
Protein change: p.Leu15949Pro; replaces leucine 15949 with proline.
Molecular consequence: missense variant.
Genome position (GRCh38, 1-based): chr2:178,617,149, A>G on the plus strand (T>C on the coding strand, the complement: TTN is on the minus strand). VCF-style: chr2-178617149-A-G. GRCh37 (hg19) VCF-style: chr2-179481876-A-G.
Other names: c.42923T>C, p.Leu14308Pro (NM_001256850.1); c.20651T>C, p.Leu6884Pro (NM_003319.4); c.40142T>C, p.Leu13381Pro (NM_133378.4); c.21026T>C, p.Leu7009Pro (NM_133432.3); c.21227T>C, p.Leu7076Pro (NM_133437.4); short protein forms L13381P, L14308P, L15949P, L6884P, L7009P, L7076P.
Identifiers: ClinVar variation 1676908 (VCV001676908.4), dbSNP rs2057493473, ClinGen allele CA349613082.